The following is an entry in ClinVar:

ClinVar aggregate classification (germline): Conflicting classifications of pathogenicity. Review status: criteria provided, conflicting classifications (1 of 4 stars). 2 submissions from 2 submitters: Likely pathogenic (1); Uncertain significance (1). Last evaluated 2025-04-11.

Conditions:
Hereditary factor VIII deficiency disease (HEMA). Also called: HEMOPHILIA, CLASSIC; AUTOSOMAL HEMOPHILIA A; Hemophilia A; Hemophilia A, congenital; HEM A; Factor 8 deficiency, congenital. Identifiers: Orphanet 98878, MedGen C0019069, MONDO:0010602, OMIM 306700.

Allele frequency attached by ClinVar (database versions not stated): TOPMed 0.00001.

Submissions (2):

GeneDx
Classification: Uncertain significance. Last evaluated: 2025-04-11. Review status: criteria provided, single submitter. Criteria: GeneDx Variant Classification Process June 2021. Collection method: clinical testing. Allele origin: germline. Affected: yes.
Comment: Identified in patients with hemophila A in published literature (PMID: 38196513, 30534853); Not observed at significant frequency in large population cohorts (gnomAD); In silico analysis supports that this missense variant has a deleterious effect on protein structure/function; This variant is associated with the following publications: (PMID: 29381227, 30534853, 29296726, 35770352, 38196513)

Departamento de Patología, Instituto de Genética, Universidad Nacional de Colombia
Classification: Likely pathogenic for Hereditary factor VIII deficiency disease. Review status: criteria provided, single submitter. Criteria: ACMG Guidelines, 2015. Collection method: clinical testing. Allele origin: germline. Affected: yes. Observed: 1 variant allele.
Comment: ACMG Guidelines. PM1: UniProt protein FA8_HUMAN domain 'Plastocyanin-like 6' has 55 non-VUS missense/in-frame/non-synonymous, variants (55 pathogenic and 0 benign), pathogenicity = 100.0% which is more than threshold 50.0%. PM2: Variant not found in gnomAD exomes (good gnomAD exomes coverage = 83.8). Variant not found in gnomAD genomes (good gnomAD genomes coverage = 22.0). PP2: 720 out of 744 non-VUS. PP3: missense variants in gene F8 are pathogenic = 96.8% which is more than threshold of 51.0%, and 856 out of 996 clinically reported variants in gene F8 are pathogenic = 85.9% which is more than threshold of 12.0%. PP3: Pathogenic computational verdict based on 10 pathogenic predictions from BayesDel_addAF, DANN, DEOGEN2, FATHMM-MKL, LIST-S2, M-CAP, MVP, MutationAssessor, MutationTaster and SIFT vs 1 benign prediction from PrimateAI.

Literature cited by the submitters: PubMed 30534853 (cited by Departamento de Patología, Instituto de Genética, Universidad Nacional de Colombia).

NM_000132.4(F8):c.262A>G (p.Met88Val)

Gene: F8 (coagulation factor VIII; minus strand). Cytogenetic location: Xq28.
Variant type: single nucleotide variant.
Coding change: c.262A>G on transcript NM_000132.4 (MANE Select); coding-DNA position 262, A replaced by G.
Protein change: p.Met88Val; replaces methionine 88 with valine.
Molecular consequence: missense variant.
Genome position (GRCh38, 1-based): chrX:154,999,482, T>C on the plus strand (A>G on the coding strand, the complement: F8 is on the minus strand). VCF-style: chrX-154999482-T-C. GRCh37 (hg19) VCF-style: chrX-154227757-T-C.
Other names: short protein forms M88V.
Identifiers: ClinVar variation 1174595 (VCV001174595.5), dbSNP rs782731044, ClinGen allele CA414920150.
Genomic context (GRCh38, chrX:154,999,482, plus strand): 5'-GTGATAGAAAATAAGATACCCAATTTCATAAATAGCATTCAACATTGTTTTCATTACCCA[T>C]CCAGGGTGGCCTTGGCTTAGCGATGTTGAAAAGGTGATCCGTGAATTCTACAAACAGAGT-3'
Protein context (NP_000123.1, residues 78-98): FNIAKPRPPW[Met88Val]GLLGPTIQAE